The following is an entry in ClinVar:

NM_014975.3(MAST1):c.2639A>G (p.Asn880Ser)

Gene: MAST1 (microtubule associated serine/threonine kinase 1; plus strand). Cytogenetic location: 19p13.13.
Variant type: single nucleotide variant.
Coding change: c.2639A>G on transcript NM_014975.3 (MANE Select); coding-DNA position 2639, A replaced by G.
Protein change: p.Asn880Ser; replaces asparagine 880 with serine.
Molecular consequence: missense variant.
Genome position (GRCh38, 1-based): chr19:12,868,715, A>G. VCF-style: chr19-12868715-A-G. GRCh37 (hg19) VCF-style: chr19-12979529-A-G.
Other names: short protein forms N880S.
Identifiers: ClinVar variation 4883671 (VCV004883671.2).

ClinVar aggregate classification (germline): Uncertain significance (1 of 4 stars; one submission).

gnomAD v4.1: 6 of 1,613,224 alleles (0.00037%); highest among the groups gnomAD compares: Non-Finnish European, 0.00042%; no homozygotes.

Submission:

Dasa
Classification: Uncertain significance. Last evaluated: 2026-03-25. Review status: criteria provided, single submitter. Criteria: DASA Assertion Criteria. Collection method: clinical testing. Allele origin: germline.
Comment: NM_014975.3(MAST1):c.2639A>G (p.Asn880Ser) is a missense variant that results in the substitution of asparagine with serine. This variant is rare in population databases. Computational prediction algorithms are consistent with a benign effect. The currently available literature and clinical evidence are not sufficient to establish a definitive association between this variant and the reported condition. Therefore, this variant is classified as a variant of uncertain significance.